The following is an entry in ClinVar:

NM_000051.4(ATM):c.211G>T (p.Glu71Ter)

Gene: ATM (ATM serine/threonine kinase; plus strand). Cytogenetic location: 11q22.3.
Variant type: single nucleotide variant.
Coding change: c.211G>T on transcript NM_000051.4 (MANE Select); coding-DNA position 211, G replaced by T.
Protein change: p.Glu71Ter; replaces glutamic acid 71 with a stop codon.
Molecular consequence: nonsense.
Genome position (GRCh38, 1-based): chr11:108,229,203, G>T. VCF-style: chr11-108229203-G-T. GRCh37 (hg19) VCF-style: chr11-108099930-G-T.
Other names: c.211G>T, p.Glu71Ter (NM_001351834.2, NM_001351835.2, NM_001351836.2); short protein forms E71*.
Identifiers: ClinVar variation 1786233 (VCV001786233.21), dbSNP rs2135033602, ClinGen allele CA382521305.

ClinVar aggregate classification (germline): Pathogenic. Review status: criteria provided, multiple submitters, no conflicts (2 of 4 stars). 3 submissions from 3 submitters: Pathogenic (2). 1 of the submissions does not count toward it. Last evaluated 2023-10-26.

Conditions:
Ataxia-telangiectasia syndrome (AT). Also called: LOUIS-BAR SYNDROME; Cerebello-oculocutaneous telangiectasia; Immunodeficiency with ataxia telangiectasia; Ataxia-telangiectasia, complementation group D; AT, COMPLEMENTATION GROUP C; ATAXIA-TELANGIECTASIA, COMPLEMENTATION GROUP A. Identifiers: Orphanet 100, MedGen C0004135, MONDO:0008840, OMIM 208900.
Gastric cancer. Also called: Stomach cancer; Malignant tumor of stomach. Identifiers: MedGen C0024623, MeSH D013274, MONDO:0001056, OMIM 613659, HP:0012126.
Hereditary cancer-predisposing syndrome. Also called: Neoplastic Syndromes, Hereditary; Tumor predisposition; Hereditary Cancer Syndrome; Hereditary neoplastic syndrome. Identifiers: Orphanet 140162, MedGen C0027672, MeSH D009386, MONDO:0015356.

Submissions (3):

Illumina Laboratory Services, Illumina
Classification: Pathogenic for Ataxia-telangiectasia syndrome. Last evaluated: 2023-10-26. Review status: criteria provided, single submitter. Criteria: ICSLVariantClassificationCriteria RUGD 01 April 2020. Collection method: clinical testing. Allele origin: unknown.
Comment: The ATM c.211G>T p.(Glu71Ter) nonsense variant results in the loss of normal protein function through either protein truncation or nonsense-mediated mRNA decay. To our knowledge, this variant has not been reported in the peer-reviewed literature. This variant is not observed in version 2.1.1 or version 3.1.2 of the Genome Aggregation Database. Based on the available evidence, the c.211G>T p.(Glu71Ter) variant is classified as pathogenic for ataxia-telangiectasia.

Ambry Genetics
Classification: Pathogenic for Hereditary cancer-predisposing syndrome. Last evaluated: 2020-09-29. Review status: criteria provided, single submitter. Criteria: Ambry Variant Classification Scheme 2023. Collection method: clinical testing. Allele origin: germline.
Comment: The p.E71* pathogenic mutation (also known as c.211G>T), located in coding exon 3 of the ATM gene, results from a G to T substitution at nucleotide position 211. This changes the amino acid from a glutamic acid to a stop codon within coding exon 3. This alteration is expected to result in loss of function by premature protein truncation or nonsense-mediated mRNA decay. As such, this alteration is interpreted as a disease-causing mutation.

Laboratory for Genotyping Development, RIKEN
Classification: Pathogenic for Gastric cancer. Last evaluated: 2021-07-01. Review status: no assertion criteria provided. Collection method: research. Allele origin: germline. Not counted in ClinVar's aggregate classification.

Literature cited by the submitters: PubMed 36988593 (cited by Laboratory for Genotyping Development, RIKEN).